The following is an entry in ClinVar:

NM_172107.4(KCNQ2):c.928-8A>T

Gene: KCNQ2 (potassium voltage-gated channel subfamily Q member 2; minus strand). Cytogenetic location: 20q13.33.
Variant type: single nucleotide variant.
Coding change: c.928-8A>T on transcript NM_172107.4 (MANE Select); 8 bases into the intron before coding-DNA position 928, A replaced by T.
Molecular consequence: intron variant.
Genome position (GRCh38, 1-based): chr20:63,438,728, T>A on the plus strand (A>T on the coding strand, the complement: KCNQ2 is on the minus strand). VCF-style: chr20-63438728-T-A. GRCh37 (hg19) VCF-style: chr20-62070081-T-A.
Other names: c.928-8A>T (NM_004518.6, NM_172108.5, NM_172106.3 and 2 more transcripts).
Identifiers: ClinVar variation 2757963 (VCV002757963.3), dbSNP rs2516410313, ClinGen allele CA2697547463.

ClinVar aggregate classification (germline): Uncertain significance (1 of 4 stars; one submission).

Conditions:
Early-infantile DEE. Also called: Ohtahara syndrome; Early infantile epileptic encephalopathy; Early infantile epileptic encephalopathy with suppression bursts. Identifiers: Orphanet 1934, MedGen C0393706, MONDO:0800491.

Submission:

Labcorp Genetics (formerly Invitae), Labcorp
Classification: Uncertain significance for Early-infantile DEE. Last evaluated: 2023-09-04. Review status: criteria provided, single submitter. Criteria: Invitae Variant Classification Sherloc (09022015). Collection method: clinical testing. Allele origin: germline.
Comment: This variant is not present in population databases (gnomAD no frequency). This sequence change falls in intron 6 of the KCNQ2 gene. It does not directly change the encoded amino acid sequence of the KCNQ2 protein. This variant has not been reported in the literature in individuals affected with KCNQ2-related conditions. In summary, the available evidence is currently insufficient to determine the role of this variant in disease. Therefore, it has been classified as a Variant of Uncertain Significance. Algorithms developed to predict the effect of sequence changes on RNA splicing suggest that this variant may disrupt the consensus splice site.